The following is an entry in ClinVar:

ClinVar aggregate classification (germline): Uncertain significance (1 of 4 stars; one submission).

Conditions:
TPO-related disorder. Also called: TPO-related condition.

gnomAD v4.1: 2 of 1,613,970 alleles (0.00012%); highest among the groups gnomAD compares: East Asian, 0.0022%; no homozygotes.

Submission:

PreventionGenetics, part of Exact Sciences
Classification: Uncertain significance for TPO-related condition. Last evaluated: 2023-09-05. Review status: criteria provided, single submitter. Criteria: ACMG Guidelines, 2015. Collection method: clinical testing. Allele origin: germline.
Comment: The TPO c.2078G>C variant is predicted to result in the amino acid substitution p.Arg693Pro. To our knowledge, this variant has not been reported in the literature or in a large population database, indicating this variant is rare. At this time, the clinical significance of this variant is uncertain due to the absence of conclusive functional and genetic evidence.

NM_001206744.2(TPO):c.2078G>C (p.Arg693Pro)

Genes: LALTOP (lung cancer associated lncRNA targeting TOP2A; minus strand), TPO (thyroid peroxidase; plus strand). Cytogenetic location: 2p25.3.
Variant type: single nucleotide variant.
Coding change: c.2078G>C on transcript NM_001206744.2 (MANE Select); coding-DNA position 2078, G replaced by C.
Protein change: p.Arg693Pro; replaces arginine 693 with proline.
Molecular consequence: missense variant.
Genome position (GRCh38, 1-based): chr2:1,496,060, G>C. VCF-style: chr2-1496060-G-C. GRCh37 (hg19) VCF-style: chr2-1499832-G-C.
Other names: c.2078G>C, p.Arg693Pro (NM_000547.6, NM_175721.3); c.1907G>C, p.Arg636Pro (NM_001206745.2, NM_175719.4); c.1559G>C, p.Arg520Pro (NM_175722.3); short protein forms R520P, R636P, R693P.
Identifiers: ClinVar variation 2631157 (VCV002631157.1), dbSNP rs372403056, ClinGen allele CA345697902.
Genomic context (GRCh38, chr2:1,496,060, plus strand): 5'-AGAACAGCCACGTCTTCACGGATGCACAGAGGCGTGAGCTGGAGAAGCACTCCCTGTCTC[G>C]GGTCATCTGTGACAACACTGGCCTCACCAGGGTGCCCATGGATGCCTTCCAAGTCGGCAA-3'
Protein context (NP_001193673.1, residues 683-703): RRELEKHSLS[Arg693Pro]VICDNTGLTR